The following is an entry in ClinVar:

ClinVar aggregate classification (germline): Uncertain significance. Review status: criteria provided, multiple submitters, no conflicts (2 of 4 stars). 2 submissions from 2 submitters: Uncertain significance (2). Last evaluated 2023-10-02.

Conditions:
Inborn genetic diseases. Identifiers: MedGen C0950123, MeSH D030342.
Cranioectodermal dysplasia 1 (CED1). Also called: LEVIN SYNDROME I. Identifiers: Orphanet 1515, MedGen C0432235, MONDO:0021093, OMIM 218330.

Allele frequency attached by ClinVar (database versions not stated): TOPMed 0.00001; ExAC 0.00002; gnomAD 0.00002; gnomAD exomes 0.00003; ESP Exome Variant Server 0.00008.
gnomAD v4.1: 42 of 1,613,698 alleles (0.0026%); highest among the groups gnomAD compares: Non-Finnish European, 0.0031%; no homozygotes.

Submissions (2):

Ambry Genetics
Classification: Uncertain significance for Inborn genetic diseases. Last evaluated: 2023-10-02. Review status: criteria provided, single submitter. Criteria: Ambry Variant Classification Scheme 2023. Collection method: clinical testing. Allele origin: germline.

Labcorp Genetics (formerly Invitae), Labcorp
Classification: Uncertain significance for Cranioectodermal dysplasia 1. Last evaluated: 2022-09-07. Review status: criteria provided, single submitter. Criteria: Invitae Variant Classification Sherloc (09022015). Collection method: clinical testing. Allele origin: germline.
Comment: In summary, the available evidence is currently insufficient to determine the role of this variant in disease. Therefore, it has been classified as a Variant of Uncertain Significance. Algorithms developed to predict the effect of missense changes on protein structure and function (SIFT, PolyPhen-2, Align-GVGD) all suggest that this variant is likely to be tolerated. This variant has not been reported in the literature in individuals affected with IFT122-related conditions. This variant is present in population databases (rs368568826, gnomAD 0.003%). This sequence change replaces histidine, which is basic and polar, with arginine, which is basic and polar, at codon 1010 of the IFT122 protein (p.His1010Arg).

NM_052989.3(IFT122):c.2876A>G (p.His959Arg)

Gene: IFT122 (intraflagellar transport 122; plus strand). Cytogenetic location: 3q22.1.
Variant type: single nucleotide variant.
Coding change: c.2876A>G on transcript NM_052989.3 (MANE Select); coding-DNA position 2876, A replaced by G.
Protein change: p.His959Arg; replaces histidine 959 with arginine.
Molecular consequence: missense variant.
Genome position (GRCh38, 1-based): chr3:129,507,752, A>G. VCF-style: chr3-129507752-A-G. GRCh37 (hg19) VCF-style: chr3-129226595-A-G.
Other names: c.3029A>G (NM_052985.2); c.2855A>G, p.His952Arg (NM_001280541.2); c.2426A>G, p.His809Arg (NM_001280545.2); c.2249A>G, p.His750Arg (NM_001280546.2); c.2879A>G, p.His960Arg (NM_001410808.1); c.2822A>G, p.His941Arg (NM_001410809.1); c.2702A>G, p.His901Arg (NM_001410810.1); c.2648A>G, p.His883Arg (NM_001410811.1); and 6 more; short protein forms H849R, H952R, H750R, H882R, H900R, H901R, H959R, H809R.
Identifiers: ClinVar variation 2195068 (VCV002195068.5), dbSNP rs368568826, ClinGen allele CA2606678.
Genomic context (GRCh38, chr3:129,507,752, plus strand): 5'-TTGGCAAGTTCTACCACTTCCAGCGTTTGGCAGAGCTGTACCATGGTTACCATGCCATCC[A>G]TCGCCACACGGTAAGGTGGCTGGGTCACCAGCACCTGAGGGTACCATCTCCTGAGCTAGG-3'
Protein context (NP_443715.1, residues 949-969): AELYHGYHAI[His959Arg]RHTEDPFSVH